The following is an entry in ClinVar:

NM_138694.4(PKHD1):c.3089C>A (p.Ala1030Glu)

Gene: PKHD1 (PKHD1 ciliary IPT domain containing fibrocystin/polyductin; minus strand). Cytogenetic location: 6p12.2.
Variant type: single nucleotide variant.
Coding change: c.3089C>A on transcript NM_138694.4 (MANE Select); coding-DNA position 3089, C replaced by A.
Protein change: p.Ala1030Glu; replaces alanine 1030 with glutamic acid.
Molecular consequence: missense variant.
Genome position (GRCh38, 1-based): chr6:52,042,867, G>T on the plus strand (C>A on the coding strand, the complement: PKHD1 is on the minus strand). VCF-style: chr6-52042867-G-T. GRCh37 (hg19) VCF-style: chr6-51907665-G-T.
Other names: c.3089C>A (NM_138694.3); c.3089C>A, p.Ala1030Glu (NM_170724.3); short protein forms A1030E.
Identifiers: ClinVar variation 2136420 (VCV002136420.8), dbSNP rs777976050, ClinGen allele CA364441921.

ClinVar aggregate classification (germline): Conflicting classifications of pathogenicity. Review status: criteria provided, conflicting classifications (1 of 4 stars). 4 submissions from 4 submitters: Pathogenic (1); Likely pathogenic (2); Uncertain significance (1). Last evaluated 2025-08-13.

Conditions:
Autosomal recessive polycystic kidney disease (ARPKD). Also called: AR polycystic kidney disease. Identifiers: Orphanet 731, Orphanet 8378, MedGen C0085548, MeSH D017044, MONDO:0009889.
Polycystic kidney disease 4 (PKD4). Also called: POLYCYSTIC KIDNEY DISEASE 4 WITH OR WITHOUT POLYCYSTIC LIVER DISEASE; PKD3; Autosomal Recessive Polycystic Kidney Disease – PKHD1; POLYCYSTIC KIDNEY AND HEPATIC DISEASE 1; POLYCYSTIC KIDNEY DISEASE, INFANTILE, TYPE I. Identifiers: MedGen C4540575, MONDO:0033004, OMIM 263200.

Submissions (4):

Natera, Inc.
Classification: Likely pathogenic for Autosomal recessive polycystic kidney disease. Last evaluated: 2025-08-13. Review status: criteria provided, single submitter. Criteria: Natera Variant Classification Schema (03/2026). Collection method: clinical testing. Allele origin: germline.
Comment: The c.3089C>A variant in PKHD1 is a missense variant predicted to cause substitution of alanine to glutamic acid at amino acid 1030. This variant is rare in the general population with a frequency below the threshold expected for the associated phenotype(s). This variant has been observed in one or more individuals affected with the associated recessive disease, as either homozygous or compound heterozygous with a second variant (PMID: 12506140). A different variant at the same position has been determined to be Pathogenic or Likely Pathogenic. Computational prediction algorithms indicate this variant is likely to affect gene or protein function. Given the available evidence, this variant is classified as Likely Pathogenic.

Women's Health and Genetics/Laboratory Corporation of America, LabCorp
Classification: Uncertain significance. Last evaluated: 2025-07-11. Review status: criteria provided, single submitter. Criteria: LabCorp Variant Classification Summary - May 2015. Collection method: clinical testing. Allele origin: germline.
Comment: Variant summary: PKHD1 c.3089C>A (p.Ala1030Glu) results in a non-conservative amino acid change in the encoded protein sequence. Algorithms developed to predict the effect of missense changes on protein structure and function are either unavailable or do not agree on the potential impact of this missense change. The variant was absent in 250730 control chromosomes. The available data on variant occurrences in the general population are insufficient to allow any conclusion about variant significance. c.3089C>A has been observed in individual(s) affected with Polycystic Kidney And Hepatic Disease (Bergmann_2003). These data do not allow any conclusion about variant significance. To our knowledge, no experimental evidence demonstrating an impact on protein function has been reported. The following publication have been ascertained in the context of this evaluation (PMID: 12506140). ClinVar contains an entry for this variant (Variation ID: 2136420). Based on the evidence outlined above, the variant was classified as uncertain significance.

Baylor Genetics
Classification: Likely pathogenic for Polycystic kidney disease 4. Last evaluated: 2024-02-22. Review status: criteria provided, single submitter. Criteria: ACMG Guidelines, 2015. Collection method: clinical testing. Allele origin: unknown.

Labcorp Genetics (formerly Invitae), Labcorp
Classification: Pathogenic for Autosomal recessive polycystic kidney disease. Last evaluated: 2022-02-04. Review status: criteria provided, single submitter. Criteria: Invitae Variant Classification Sherloc (09022015). Collection method: clinical testing. Allele origin: germline.
Comment: This variant disrupts the p.Ala1030 amino acid residue in PKHD1. Other variant(s) that disrupt this residue have been determined to be pathogenic (PMID: 15698423, 16199545). This suggests that this residue is clinically significant, and that variants that disrupt this residue are likely to be disease-causing. For these reasons, this variant has been classified as Pathogenic. This missense change has been observed in individual(s) with polycystic kidney disease (PMID: 12506140). In at least one individual the data is consistent with being in trans (on the opposite chromosome) from a pathogenic variant. Advanced modeling of protein sequence and biophysical properties (such as structural, functional, and spatial information, amino acid conservation, physicochemical variation, residue mobility, and thermodynamic stability) performed at Invitae indicates that this missense variant is expected to disrupt PKHD1 protein function. This variant is not present in population databases (gnomAD no frequency). This sequence change replaces alanine, which is neutral and non-polar, with glutamic acid, which is acidic and polar, at codon 1030 of the PKHD1 protein (p.Ala1030Glu).

Literature cited by the submitters: PubMed 12506140 (cited by 3 submitters); PubMed 15698423 (cited by Labcorp Genetics (formerly Invitae), Labcorp); PubMed 16199545 (cited by Labcorp Genetics (formerly Invitae), Labcorp).